The following is an entry in ClinVar:

ClinVar aggregate classification (germline): Conflicting classifications of pathogenicity. Review status: criteria provided, conflicting classifications (1 of 4 stars). 2 submissions from 2 submitters: Uncertain significance (1); Likely benign (1). Last evaluated 2024-12-16.

Conditions:
Hereditary nonpolyposis colorectal neoplasms. Identifiers: MedGen C0009405, MeSH D003123.
Hereditary cancer-predisposing syndrome. Also called: Tumor predisposition; Hereditary neoplastic syndrome; Hereditary Cancer Syndrome; Neoplastic Syndromes, Hereditary. Identifiers: Orphanet 140162, MedGen C0027672, MeSH D009386, MONDO:0015356.

Allele frequency attached by ClinVar (database versions not stated): gnomAD exomes below 0.00001; ExAC 0.00001.

Submissions (2):

Labcorp Genetics (formerly Invitae), Labcorp
Classification: Likely benign for Hereditary nonpolyposis colorectal neoplasms. Last evaluated: 2024-12-16. Review status: criteria provided, single submitter. Criteria: Invitae Variant Classification Sherloc (09022015). Collection method: clinical testing. Allele origin: germline.

Ambry Genetics
Classification: Uncertain significance for Hereditary cancer-predisposing syndrome. Last evaluated: 2024-03-19. Review status: criteria provided, single submitter. Criteria: Ambry Variant Classification Scheme 2023. Collection method: clinical testing. Allele origin: germline.
Comment: The p.G566A variant (also known as c.1697G>C), located in coding exon 4 of the MSH6 gene, results from a G to C substitution at nucleotide position 1697. The glycine at codon 566 is replaced by alanine, an amino acid with similar properties. This variant was detected in 0% of 1292 individuals with biliary tract cancer and 0.001% of 37583 controls without a personal or family history of cancer (Okawa Y et al. J Hepatol, 2023 Feb;78:333-342). This amino acid position is highly conserved in available vertebrate species. In addition, this alteration is predicted to be deleterious by in silico analysis. Based on the available evidence, the clinical significance of this alteration remains unclear.

Literature cited by the submitters: PubMed 36243179 (cited by Ambry Genetics).

NM_000179.3(MSH6):c.1697G>C (p.Gly566Ala)

Gene: MSH6 (mutS homolog 6; plus strand). Cytogenetic location: 2p16.3.
Variant type: single nucleotide variant.
Coding change: c.1697G>C on transcript NM_000179.3 (MANE Select); coding-DNA position 1697, G replaced by C.
Protein change: p.Gly566Ala; replaces glycine 566 with alanine.
Molecular consequence: missense variant.
Genome position (GRCh38, 1-based): chr2:47,799,680, G>C. VCF-style: chr2-47799680-G-C. GRCh37 (hg19) VCF-style: chr2-48026819-G-C.
Other names: c.1307G>C, p.Gly436Ala (NM_001281492.2); c.791G>C, p.Gly264Ala (NM_001281493.2, NM_001281494.2); short protein forms G264A, G566A, G436A.
Identifiers: ClinVar variation 937933 (VCV000937933.13), dbSNP rs758990693, ClinGen allele CA068006.
Genomic context (GRCh38, chr2:47,799,680, plus strand): 5'-AGGAAGATTCTTCTGGCCATACTCGTGCATATGGTGTGTGCTTTGTTGATACTTCACTGG[G>C]AAAGTTTTTCATAGGTCAGTTTTCAGATGATCGCCATTGTTCGAGATTTAGGACTCTAGT-3'
Protein context (NP_000170.1, residues 556-576): YGVCFVDTSL[Gly566Ala]KFFIGQFSDD